The following is an entry in ClinVar:

NM_014629.4(ARHGEF10):c.1075+5G>A

Gene: ARHGEF10 (Rho guanine nucleotide exchange factor 10; plus strand). Cytogenetic location: 8p23.3.
Variant type: single nucleotide variant.
Coding change: c.1075+5G>A on transcript NM_014629.4 (MANE Select); 5 bases into the intron after coding-DNA position 1075, G replaced by A.
Molecular consequence: intron variant.
Genome position (GRCh38, 1-based): chr8:1,882,754, G>A. VCF-style: chr8-1882754-G-A. GRCh37 (hg19) VCF-style: chr8-1830920-G-A.
Other names: c.961+5G>A (NM_001438092.1, NM_001308152.2, NM_001438094.1); c.1078+5G>A (NM_001438091.1, NM_001308153.3); c.958+5G>A (NM_001438093.1).
Identifiers: ClinVar variation 4695466 (VCV004695466.1).

ClinVar aggregate classification (germline): Uncertain significance (1 of 4 stars; one submission).

gnomAD v4.1: 8 of 1,546,734 alleles (0.00052%); highest among the groups gnomAD compares: East Asian, 0.0025%; no homozygotes.

Submission:

Labcorp Genetics (formerly Invitae), Labcorp
Classification: Uncertain significance. Last evaluated: 2025-08-17. Review status: criteria provided, single submitter. Criteria: Invitae Variant Classification Sherloc (09022015). Collection method: clinical testing. Allele origin: germline.
Comment: This sequence change falls in intron 10 of the ARHGEF10 gene. It does not directly change the encoded amino acid sequence of the ARHGEF10 protein. It affects a nucleotide within the consensus splice site. This variant is present in population databases (no rsID available, gnomAD 0.004%). This variant has not been reported in the literature in individuals affected with ARHGEF10-related conditions. Variants that disrupt the consensus splice site are a relatively common cause of aberrant splicing (PMID: 17576681, 9536098). Algorithms developed to predict the effect of sequence changes on RNA splicing suggest that this variant may disrupt the consensus splice site. In summary, the available evidence is currently insufficient to determine the role of this variant in disease. Therefore, it has been classified as a Variant of Uncertain Significance.

Literature cited by the submitters: PubMed 17576681; PubMed 9536098.